The following is an entry in ClinVar:

ClinVar aggregate classification (germline): Uncertain significance. Review status: criteria provided, multiple submitters, no conflicts (2 of 4 stars). 2 submissions from 2 submitters: Uncertain significance (2). Last evaluated 2025-02-01.

Conditions:
Inborn genetic diseases. Identifiers: MedGen C0950123, MeSH D030342.

Allele frequency attached by ClinVar (database versions not stated): ExAC 0.00001; gnomAD 0.00001; gnomAD exomes 0.00001; TOPMed 0.00001.
gnomAD v4.1: 14 of 1,613,468 alleles (0.00087%); highest among the groups gnomAD compares: Non-Finnish European, 0.0012%; no homozygotes.

Submissions (2):

Ambry Genetics
Classification: Uncertain significance for Inborn genetic diseases. Last evaluated: 2025-02-01. Review status: criteria provided, single submitter. Criteria: Ambry Variant Classification Scheme 2023. Collection method: clinical testing. Allele origin: germline.
Comment: The p.H1464Q variant (also known as c.4392T>G), located in coding exon 30 of the ANKRD26 gene, results from a T to G substitution at nucleotide position 4392. The histidine at codon 1464 is replaced by glutamine, an amino acid with highly similar properties. This amino acid position is conserved. In addition, this alteration is predicted to be tolerated by in silico analysis. Based on the available evidence, the clinical significance of this variant remains unclear.

Labcorp Genetics (formerly Invitae), Labcorp
Classification: Uncertain significance. Last evaluated: 2023-01-28. Review status: criteria provided, single submitter. Criteria: Invitae Variant Classification Sherloc (09022015). Collection method: clinical testing. Allele origin: germline.
Comment: This sequence change replaces histidine, which is basic and polar, with glutamine, which is neutral and polar, at codon 1464 of the ANKRD26 protein (p.His1464Gln). In summary, the available evidence is currently insufficient to determine the role of this variant in disease. Therefore, it has been classified as a Variant of Uncertain Significance. Algorithms developed to predict the effect of missense changes on protein structure and function output the following: SIFT: "Tolerated"; PolyPhen-2: "Benign"; Align-GVGD: "Class C0". The glutamine amino acid residue is found in multiple mammalian species, which suggests that this missense change does not adversely affect protein function. This variant has not been reported in the literature in individuals affected with ANKRD26-related conditions. This variant is present in population databases (rs767931129, gnomAD 0.002%).

NM_014915.3(ANKRD26):c.4392T>G (p.His1464Gln)

Gene: ANKRD26 (ankyrin repeat domain 26; minus strand). Cytogenetic location: 10p12.1.
Variant type: single nucleotide variant.
Coding change: c.4392T>G on transcript NM_014915.3 (MANE Select); coding-DNA position 4392, T replaced by G.
Protein change: p.His1464Gln; replaces histidine 1464 with glutamine.
Molecular consequence: missense variant.
Genome position (GRCh38, 1-based): chr10:27,017,616, A>C on the plus strand (T>G on the coding strand, the complement: ANKRD26 is on the minus strand). VCF-style: chr10-27017616-A-C. GRCh37 (hg19) VCF-style: chr10-27306545-A-C.
Other names: c.4389T>G, p.His1463Gln (NM_001256053.2); short protein forms H1463Q, H1464Q.
Identifiers: ClinVar variation 2186159 (VCV002186159.5), dbSNP rs767931129, ClinGen allele CA5447801.
Genomic context (GRCh38, chr10:27,017,616, plus strand): 5'-TTCTTCAATCTCCTGTTTATACTGTTTGACTTGACCAAGTTCTACCATATTCCTTTCTAT[A>C]TGACTTCTCAGGTTGATCACTTCTTGTTCCAACTTCTTTTTATTCTTCTGTAGTTTTTCA-3'
Protein context (NP_055730.2, residues 1454-1474): LEQEVINLRS[His1464Gln]IERNMVELGQ